The following is an entry in ClinVar:

ClinVar aggregate classification (germline): Benign (1 of 4 stars; one submission).

Allele frequency attached by ClinVar (database versions not stated): 1000 Genomes Project 0.00040; 1000 Genomes Project 30x 0.00047; gnomAD 0.00129; ESP Exome Variant Server 0.00138; ExAC 0.00155.
gnomAD v4.1: 2,019 of 1,603,466 alleles (0.13%); highest among the groups gnomAD compares: Middle Eastern, 0.17%; 13 homozygotes.

Submissions (3):

CeGaT Center for Human Genetics Tuebingen
Classification: Benign. Last evaluated: 2023-09-01. Review status: criteria provided, single submitter. Criteria: CeGaT Center For Human Genetics Tuebingen Variant Classification Criteria Version 2. Collection method: clinical testing. Allele origin: germline. Affected: yes. Observed: 1 variant allele.
Comment: TRPM2: BP4, BS1, BS2

Dr. Peter K. Rogan Lab, Western University
No classification provided (evidence only). Condition: Colon adenocarcinoma. Review status: no classification provided. Collection method: in vitro. Allele origin: not applicable. Functional consequence: retained intron. Not counted in ClinVar's aggregate classification.

Dr. Peter K. Rogan Lab, Western University
No classification provided (evidence only). Condition: Sarcoma. Review status: no classification provided. Collection method: in vitro. Allele origin: not applicable. Functional consequence: retained intron. Not counted in ClinVar's aggregate classification.

NM_003307.4(TRPM2):c.2669C>T (p.Ala890Val)

Genes: TRPM2 (transient receptor potential cation channel subfamily M member 2; plus strand), LOC126653395 (CDK7 strongly-dependent group 2 enhancer GRCh37_chr21:45825427-45826626; plus strand). Cytogenetic location: 21q22.3.
Variant type: single nucleotide variant.
Coding change: c.2669C>T on transcript NM_003307.4 (MANE Select); coding-DNA position 2669, C replaced by T.
Protein change: p.Ala890Val; replaces alanine 890 with valine.
Molecular consequence: missense variant. On other transcripts: non-coding transcript variant (1).
Genome position (GRCh38, 1-based): chr21:44,405,916, C>T. VCF-style: chr21-44405916-C-T. GRCh37 (hg19) VCF-style: chr21-45825799-C-T.
Other names: NC_000021.8:g.45825799C>T; c.2669C>T, p.Ala890Val (NM_001320350.2, NM_001320351.2); short protein forms A890V.
Identifiers: ClinVar variation 2652750 (VCV002652750.25), dbSNP rs34601320, ClinGen allele CA10055055.